The following is an entry in ClinVar:

NM_138694.4(PKHD1):c.5785T>C (p.Ser1929Pro)

Gene: PKHD1 (PKHD1 ciliary IPT domain containing fibrocystin/polyductin; minus strand). Cytogenetic location: 6p12.2.
Variant type: single nucleotide variant.
Coding change: c.5785T>C on transcript NM_138694.4 (MANE Select); coding-DNA position 5785, T replaced by C.
Protein change: p.Ser1929Pro; replaces serine 1929 with proline.
Molecular consequence: missense variant.
Genome position (GRCh38, 1-based): chr6:51,959,993, A>G on the plus strand (T>C on the coding strand, the complement: PKHD1 is on the minus strand). VCF-style: chr6-51959993-A-G. GRCh37 (hg19) VCF-style: chr6-51824791-A-G.
Other names: c.5785T>C, p.Ser1929Pro (NM_170724.3); short protein forms S1929P.
Identifiers: ClinVar variation 4816702 (VCV004816702.1).

ClinVar aggregate classification (germline): Likely pathogenic (1 of 4 stars; one submission).

Conditions:
Autosomal recessive polycystic kidney disease (ARPKD). Also called: AR polycystic kidney disease. Identifiers: Orphanet 731, Orphanet 8378, MedGen C0085548, MeSH D017044, MONDO:0009889.

Submission:

Natera, Inc.
Classification: Likely pathogenic for Autosomal recessive polycystic kidney disease. Last evaluated: 2025-05-15. Review status: criteria provided, single submitter. Criteria: Natera Variant Classification Schema (03/2026). Collection method: clinical testing. Allele origin: germline.
Comment: The c.5785T>C variant in PKHD1 is a missense variant predicted to cause substitution of serine to proline at amino acid 1929. This variant is rare in the general population with a frequency below the threshold expected for the associated phenotype(s). This variant has been observed in one or more individuals affected with the associated recessive disease, as either homozygous or compound heterozygous with a second variant (PMID: 27225849). This variant has been identified in one or more affected individuals with a phenotype highly consistent with the associated gene (PMID: 27225849). Computational prediction algorithms indicate this variant is likely to affect gene or protein function. Given the available evidence, this variant is classified as Likely Pathogenic.

Literature cited by the submitters: PubMed 27225849.